The following is an entry in ClinVar:

NM_001244008.2(KIF1A):c.2449C>T (p.Arg817Cys)

Gene: KIF1A (kinesin family member 1A; minus strand). Cytogenetic location: 2q37.3.
Variant type: single nucleotide variant.
Coding change: c.2449C>T on transcript NM_001244008.2 (MANE Select); coding-DNA position 2449, C replaced by T.
Protein change: p.Arg817Cys; replaces arginine 817 with cysteine.
Molecular consequence: missense variant.
Genome position (GRCh38, 1-based): chr2:240,758,493, G>A on the plus strand (C>T on the coding strand, the complement: KIF1A is on the minus strand). VCF-style: chr2-240758493-G-A. GRCh37 (hg19) VCF-style: chr2-241697910-G-A.
Other names: c.2449C>T, p.Arg817Cys (NM_001320705.2, NM_001330289.2, NM_001379638.1); c.2524C>T, p.Arg842Cys (NM_001330290.2, NM_001379631.1, NM_001379634.1 and 2 more transcripts); c.2422C>T, p.Arg808Cys (NM_001379632.1, NM_001379633.1, NM_001379636.1 and 11 more transcripts); c.2497C>T, p.Arg833Cys (NM_001379637.1, NM_001379648.1); short protein forms R808C, R817C, R833C, R842C.
Identifiers: ClinVar variation 1791440 (VCV001791440.2), dbSNP rs2537539169, ClinGen allele CA351324088.

ClinVar aggregate classification (germline): Uncertain significance (1 of 4 stars; one submission).

Conditions:
Inborn genetic diseases. Identifiers: MedGen C0950123, MeSH D030342.

gnomAD v4.1: 3 of 1,579,846 alleles (0.00019%); highest among the groups gnomAD compares: Non-Finnish European, 0.00026%; no homozygotes.

Submission:

Ambry Genetics
Classification: Uncertain significance for Inborn genetic diseases. Last evaluated: 2021-10-22. Review status: criteria provided, single submitter. Criteria: Ambry Variant Classification Scheme 2023. Collection method: clinical testing. Allele origin: germline.
Comment: The p.R817C variant (also known as c.2449C>T), located in coding exon 25 of the KIF1A gene, results from a C to T substitution at nucleotide position 2449. The arginine at codon 817 is replaced by cysteine, an amino acid with highly dissimilar properties. This amino acid position is highly conserved in available vertebrate species. In addition, this alteration is predicted to be deleterious by in silico analysis. Since supporting evidence is limited at this time, the clinical significance of this alteration remains unclear.